The following is an entry in ClinVar:

NM_000198.4(HSD3B2):c.1082A>C (p.Asp361Ala)

Gene: HSD3B2 (hydroxy-delta-5-steroid dehydrogenase, 3 beta- and steroid delta-isomerase 2; plus strand). Cytogenetic location: 1p12.
Variant type: single nucleotide variant.
Coding change: c.1082A>C on transcript NM_000198.4 (MANE Select); coding-DNA position 1082, A replaced by C.
Protein change: p.Asp361Ala; replaces aspartic acid 361 with alanine.
Molecular consequence: missense variant.
Genome position (GRCh38, 1-based): chr1:119,422,583, A>C. VCF-style: chr1-119422583-A-C. GRCh37 (hg19) VCF-style: chr1-119965206-A-C.
Other names: c.1082A>C, p.Asp361Ala (NM_001166120.2); short protein forms D361A.
Identifiers: ClinVar variation 1924638 (VCV001924638.5), dbSNP rs1392858876, ClinGen allele CA341400296.
Genomic context (GRCh38, chr1:119,422,583, plus strand): 5'-CACTCTACAGCTGGGAGGAAGCCAAGCAGAAAACCGTGGAGTGGGTTGGTTCCCTTGTGG[A>C]CCGGCACAAGGAGACCCTGAAGTCCAAGACTCAGTGATTTAAGGATGACAGAGATGTGCA-3'
Protein context (NP_000189.1, residues 351-371): KTVEWVGSLV[Asp361Ala]RHKETLKSKT

ClinVar aggregate classification (germline): Uncertain significance (1 of 4 stars; one submission).

Submission:

Labcorp Genetics (formerly Invitae), Labcorp
Classification: Uncertain significance. Last evaluated: 2022-07-23. Review status: criteria provided, single submitter. Criteria: Invitae Variant Classification Sherloc (09022015). Collection method: clinical testing. Allele origin: germline.
Comment: This variant is not present in population databases (gnomAD no frequency). In summary, the available evidence is currently insufficient to determine the role of this variant in disease. Therefore, it has been classified as a Variant of Uncertain Significance. Algorithms developed to predict the effect of missense changes on protein structure and function output the following: SIFT: "Tolerated"; PolyPhen-2: "Benign"; Align-GVGD: "Class C0". The alanine amino acid residue is found in multiple mammalian species, which suggests that this missense change does not adversely affect protein function. This variant has not been reported in the literature in individuals affected with HSD3B2-related conditions. This sequence change replaces aspartic acid, which is acidic and polar, with alanine, which is neutral and non-polar, at codon 361 of the HSD3B2 protein (p.Asp361Ala).